The following is an entry in ClinVar:

ClinVar aggregate classification (germline): Uncertain significance (1 of 4 stars; one submission).

Conditions:
BBS7-related disorder. Also called: BBS7-related condition.

Submission:

PreventionGenetics, part of Exact Sciences
Classification: Uncertain significance for BBS7-related condition. Last evaluated: 2025-03-31. Review status: criteria provided, single submitter. Criteria: ACMG Guidelines, 2015. Collection method: clinical testing. Allele origin: germline.
Comment: The BBS7 c.1497T>G variant is predicted to result in the amino acid substitution p.Phe499Leu. To our knowledge, this variant has not been reported in the literature or in a large population database (gnomAD), indicating this variant is rare. At this time, the clinical significance of this variant is uncertain due to the absence of conclusive functional and genetic evidence.

NM_176824.3(BBS7):c.1497T>G (p.Phe499Leu)

Gene: BBS7 (Bardet-Biedl syndrome 7; minus strand). Cytogenetic location: 4q27.
Variant type: single nucleotide variant.
Coding change: c.1497T>G on transcript NM_176824.3 (MANE Select); coding-DNA position 1497, T replaced by G.
Protein change: p.Phe499Leu; replaces phenylalanine 499 with leucine.
Molecular consequence: missense variant.
Genome position (GRCh38, 1-based): chr4:121,835,158, A>C on the plus strand (T>G on the coding strand, the complement: BBS7 is on the minus strand). VCF-style: chr4-121835158-A-C. GRCh37 (hg19) VCF-style: chr4-122756313-A-C.
Other names: c.1497T>G, p.Phe499Leu (NM_018190.4); short protein forms F499L.
Identifiers: ClinVar variation 4982443 (VCV004982443.1).